The following is an entry in ClinVar:

ClinVar aggregate classification (germline): Uncertain significance. Review status: criteria provided, multiple submitters, no conflicts (2 of 4 stars). 3 submissions from 3 submitters: Uncertain significance (3). Last evaluated 2025-03-07.

Conditions:
Kabuki syndrome. Also called: Kabuki make-up syndrome; NIIKAWA-KUROKI SYNDROME. Identifiers: Orphanet 2322, MedGen C0796004, MONDO:0016512.

gnomAD v4.1: 2 of 1,613,320 alleles (0.00012%); no homozygotes.

Submissions (3):

Labcorp Genetics (formerly Invitae), Labcorp
Classification: Uncertain significance for Kabuki syndrome. Last evaluated: 2025-03-07. Review status: criteria provided, single submitter. Criteria: Invitae Variant Classification Sherloc (09022015). Collection method: clinical testing. Allele origin: germline.
Comment: This sequence change replaces glycine, which is neutral and non-polar, with valine, which is neutral and non-polar, at codon 4182 of the KMT2D protein (p.Gly4182Val). This variant is not present in population databases (gnomAD no frequency). This variant has not been reported in the literature in individuals affected with KMT2D-related conditions. ClinVar contains an entry for this variant (Variation ID: 1339624). Invitae Evidence Modeling of protein sequence and biophysical properties (such as structural, functional, and spatial information, amino acid conservation, physicochemical variation, residue mobility, and thermodynamic stability) indicates that this missense variant is not expected to disrupt KMT2D protein function with a negative predictive value of 95%. In summary, the available evidence is currently insufficient to determine the role of this variant in disease. Therefore, it has been classified as a Variant of Uncertain Significance.

GeneDx
Classification: Uncertain significance. Last evaluated: 2022-11-09. Review status: criteria provided, single submitter. Criteria: GeneDx Variant Classification Process June 2021. Collection method: clinical testing. Allele origin: germline. Affected: yes.
Comment: Not observed at significant frequency in large population cohorts (gnomAD); In silico analysis supports that this missense variant has a deleterious effect on protein structure/function; Has not been previously published as pathogenic or benign to our knowledge

Blueprint Genetics
Classification: Uncertain significance. Last evaluated: 2022-04-19. Review status: criteria provided, single submitter. Criteria: ACMG Guidelines, 2015. Collection method: clinical testing. Allele origin: germline.

NM_003482.4(KMT2D):c.12545G>T (p.Gly4182Val)

Gene: KMT2D (lysine methyltransferase 2D; minus strand). Cytogenetic location: 12q13.12.
Variant type: single nucleotide variant.
Coding change: c.12545G>T on transcript NM_003482.4 (MANE Select); coding-DNA position 12545, G replaced by T.
Protein change: p.Gly4182Val; replaces glycine 4182 with valine.
Molecular consequence: missense variant.
Genome position (GRCh38, 1-based): chr12:49,032,160, C>A on the plus strand (G>T on the coding strand, the complement: KMT2D is on the minus strand). VCF-style: chr12-49032160-C-A. GRCh37 (hg19) VCF-style: chr12-49425943-C-A.
Other names: short protein forms G4182V.
Identifiers: ClinVar variation 1339624 (VCV001339624.7), dbSNP rs1332191547, ClinGen allele CA384710901.
Genomic context (GRCh38, chr12:49,032,160, plus strand): 5'-TGGAGCTGTGCTCGAAGCTGACCCACCGTAGGCATGATTCCAACCCCAGGCAGACCCTGC[C>A]CAGACTGGAGGACAGGTCCTGGTTTGGGAGGTTGTGGCCCTGTATTATTTTGCATGGGCC-3'
Protein context (NP_003473.3, residues 4172-4192): PPKPGPVLQS[Gly4182Val]QGLPGVGIMP